The following is an entry in ClinVar:

NM_000410.4(HFE):c.-4G>A

Genes: HFE (homeostatic iron regulator; plus strand), HFE-AS1 (HFE antisense RNA 1; minus strand). Cytogenetic location: 6p22.2.
Variant type: single nucleotide variant.
Coding change: c.-4G>A on transcript NM_000410.4 (MANE Select); 4 bases upstream of the start codon, G replaced by A.
Molecular consequence: 5 prime UTR variant. On other transcripts: non-coding transcript variant (1).
Genome position (GRCh38, 1-based): chr6:26,087,437, G>A. VCF-style: chr6-26087437-G-A. GRCh37 (hg19) VCF-style: chr6-26087665-G-A.
Other names: c.-4G>A (NM_001300749.3, NM_001384164.1, NM_001406751.1 and 9 more transcripts).
Identifiers: ClinVar variation 1710897 (VCV001710897.3), dbSNP rs770111920, ClinGen allele CA2580074255.

ClinVar aggregate classification (germline): Uncertain significance (1 of 4 stars; one submission).

Allele frequency attached by ClinVar (database versions not stated): gnomAD exomes 0.00001.

Submission:

GeneDx
Classification: Uncertain significance. Last evaluated: 2025-01-28. Review status: criteria provided, single submitter. Criteria: GeneDx Variant Classification Process June 2021. Collection method: clinical testing. Allele origin: germline. Affected: yes.
Comment: Not observed at significant frequency in large population cohorts (gnomAD); Nucleotide substitution has no predicted effect on splicing and is not conserved across species; Has not been previously published as pathogenic or benign to our knowledge